The following is an entry in ClinVar:

ClinVar aggregate classification (germline): Uncertain significance. Review status: criteria provided, multiple submitters, no conflicts (2 of 4 stars). 2 submissions from 2 submitters: Uncertain significance (2). Last evaluated 2025-06-07.

Conditions:
Hereditary cancer-predisposing syndrome. Also called: Hereditary Cancer Syndrome; Tumor predisposition; Neoplastic Syndromes, Hereditary; Hereditary neoplastic syndrome. Identifiers: Orphanet 140162, MedGen C0027672, MeSH D009386, MONDO:0015356.

Allele frequency attached by ClinVar (database versions not stated): TOPMed below 0.00001.

Submissions (2):

Ambry Genetics
Classification: Uncertain significance for Hereditary cancer-predisposing syndrome. Last evaluated: 2025-06-07. Review status: criteria provided, single submitter. Criteria: Ambry Variant Classification Scheme 2023. Collection method: clinical testing. Allele origin: germline.
Comment: The p.T1785K variant (also known as c.5354C>A), located in coding exon 39 of the POLE gene, results from a C to A substitution at nucleotide position 5354. The threonine at codon 1785 is replaced by lysine, an amino acid with similar properties. This amino acid position is conserved. In addition, the in silico prediction for this alteration is inconclusive. Based on the available evidence, the clinical significance of this variant remains unclear.

Labcorp Genetics (formerly Invitae), Labcorp
Classification: Uncertain significance. Last evaluated: 2022-02-05. Review status: criteria provided, single submitter. Criteria: Invitae Variant Classification Sherloc (09022015). Collection method: clinical testing. Allele origin: germline.
Comment: In summary, the available evidence is currently insufficient to determine the role of this variant in disease. Therefore, it has been classified as a Variant of Uncertain Significance. Algorithms developed to predict the effect of missense changes on protein structure and function (SIFT, PolyPhen-2, Align-GVGD) all suggest that this variant is likely to be tolerated. ClinVar contains an entry for this variant (Variation ID: 1014053). This variant has not been reported in the literature in individuals affected with POLE-related conditions. This variant is not present in population databases (gnomAD no frequency). This sequence change replaces threonine, which is neutral and polar, with lysine, which is basic and polar, at codon 1785 of the POLE protein (p.Thr1785Lys).

NM_006231.4(POLE):c.5354C>A (p.Thr1785Lys)

Gene: POLE (DNA polymerase epsilon, catalytic subunit; minus strand). Cytogenetic location: 12q24.33.
Variant type: single nucleotide variant.
Coding change: c.5354C>A on transcript NM_006231.4 (MANE Select); coding-DNA position 5354, C replaced by A.
Protein change: p.Thr1785Lys; replaces threonine 1785 with lysine.
Molecular consequence: missense variant.
Genome position (GRCh38, 1-based): chr12:132,641,671, G>T on the plus strand (C>A on the coding strand, the complement: POLE is on the minus strand). VCF-style: chr12-132641671-G-T. GRCh37 (hg19) VCF-style: chr12-133218257-G-T.
Other names: c.5354C>A (NM_006231.2); short protein forms T1785K.
Identifiers: ClinVar variation 1014053 (VCV001014053.9), dbSNP rs1269441689, ClinGen allele CA387375762.
Genomic context (GRCh38, chr12:132,641,671, plus strand): 5'-TCTATTAGTAACACTCCTTCCCAGAGAGGGTGGCACCTGAAGGTGTTAGAGCACAGGGCT[G>T]TCTCATCGTAGCTGGCCGGGGCACTGGCAGCCTGACCACCCGTGATCATGTCCTCCAGGG-3'
Protein context (NP_006222.2, residues 1775-1795): AASAPASYDE[Thr1785Lys]ALCSNTFRIL